The following is an entry in ClinVar:

ClinVar aggregate classification (germline): Uncertain significance (1 of 4 stars; one submission).

Conditions:
Hereditary cancer-predisposing syndrome. Also called: Neoplastic Syndromes, Hereditary; Hereditary Cancer Syndrome; Tumor predisposition; Hereditary neoplastic syndrome. Identifiers: Orphanet 140162, MedGen C0027672, MeSH D009386, MONDO:0015356.

Submission:

Ambry Genetics
Classification: Uncertain significance for Hereditary cancer-predisposing syndrome. Last evaluated: 2023-02-03. Review status: criteria provided, single submitter. Criteria: Ambry Variant Classification Scheme 2023. Collection method: clinical testing. Allele origin: germline.
Comment: The p.R1093G variant (also known as c.3277C>G), located in coding exon 21 of the TSC1 gene, results from a C to G substitution at nucleotide position 3277. The arginine at codon 1093 is replaced by glycine, an amino acid with dissimilar properties. This amino acid position is conserved. In addition, this alteration is predicted to be deleterious by in silico analysis. Since supporting evidence is limited at this time, the clinical significance of this alteration remains unclear.

NM_000368.5(TSC1):c.3277C>G (p.Arg1093Gly)

Gene: TSC1 (TSC complex subunit 1; minus strand). Cytogenetic location: 9q34.13.
Variant type: single nucleotide variant.
Coding change: c.3277C>G on transcript NM_000368.5 (MANE Select); coding-DNA position 3277, C replaced by G.
Protein change: p.Arg1093Gly; replaces arginine 1093 with glycine.
Molecular consequence: missense variant. On other transcripts: non-coding transcript variant (5).
Genome position (GRCh38, 1-based): chr9:132,896,453, G>C on the plus strand (C>G on the coding strand, the complement: TSC1 is on the minus strand). VCF-style: chr9-132896453-G-C. GRCh37 (hg19) VCF-style: chr9-135771840-G-C.
Other names: c.3274C>G, p.Arg1092Gly (NM_001162426.2, NM_001406597.1, NM_001406598.1 and 2 more transcripts); c.3124C>G, p.Arg1042Gly (NM_001162427.2, NM_001406610.1); c.2914C>G, p.Arg972Gly (NM_001362177.2, NM_001406614.1, NM_001406615.1 and 4 more transcripts); c.3277C>G, p.Arg1093Gly (NM_001406592.1, NM_001406593.1, NM_001406594.1 and 2 more transcripts); c.3262C>G, p.Arg1088Gly (NM_001406601.1, NM_001406602.1); c.3259C>G, p.Arg1087Gly (NM_001406603.1, NM_001406604.1); c.3235C>G, p.Arg1079Gly (NM_001406605.1, NM_001406606.1, NM_001406607.1); c.3232C>G, p.Arg1078Gly (NM_001406608.1, NM_001406609.1); and 8 more; short protein forms R1027G, R1041G, R1088G, R957G, R1079G, R776G, R1078G, R1087G.
Identifiers: ClinVar variation 2447888 (VCV002447888.2), dbSNP rs1431256375, ClinGen allele CA375366756.